The following is an entry in ClinVar:

NM_003265.3(TLR3):c.190A>G (p.Arg64Gly)

Gene: TLR3 (toll like receptor 3; plus strand). Cytogenetic location: 4q35.1.
Variant type: single nucleotide variant.
Coding change: c.190A>G on transcript NM_003265.3 (MANE Select); coding-DNA position 190, A replaced by G.
Protein change: p.Arg64Gly; replaces arginine 64 with glycine.
Molecular consequence: missense variant.
Genome position (GRCh38, 1-based): chr4:186,076,809, A>G. VCF-style: chr4-186076809-A-G. GRCh37 (hg19) VCF-style: chr4-186997963-A-G.
Other names: short protein forms R64G.
Identifiers: ClinVar variation 4752824 (VCV004752824.1).

ClinVar aggregate classification (germline): Uncertain significance (1 of 4 stars; one submission).

Conditions:
Encephalopathy, acute, infection-induced (herpes-specific), susceptibility to, 1. Also called: Herpes simplex encephalitis, susceptibility to, 1. Identifiers: Orphanet 1930, MedGen C2750180, MONDO:0024563, OMIM 610551.

Submission:

Labcorp Genetics (formerly Invitae), Labcorp
Classification: Uncertain significance for Encephalopathy, acute, infection-induced (herpes-specific), susceptibility to, 1. Last evaluated: 2025-09-04. Review status: criteria provided, single submitter. Criteria: Invitae Variant Classification Sherloc (09022015). Collection method: clinical testing. Allele origin: germline.
Comment: This sequence change replaces arginine, which is basic and polar, with glycine, which is neutral and non-polar, at codon 64 of the TLR3 protein (p.Arg64Gly). This variant is not present in population databases (gnomAD no frequency). This variant has not been reported in the literature in individuals affected with TLR3-related conditions. An algorithm developed to predict the effect of missense changes on protein structure and function (PolyPhen-2) suggests that this variant is likely to be tolerated. In summary, the available evidence is currently insufficient to determine the role of this variant in disease. Therefore, it has been classified as a Variant of Uncertain Significance.